The following is an entry in ClinVar:

ClinVar aggregate classification (germline): Uncertain significance (1 of 4 stars; one submission).

Conditions:
Autoimmune interstitial lung disease-arthritis syndrome. Also called: Autoinflammation and autoimmunity, systemic, with immune dysregulation. Identifiers: Orphanet 444092, MedGen C5975714, MONDO:0014629.

Submission:

Labcorp Genetics (formerly Invitae), Labcorp
Classification: Uncertain significance for Autoimmune interstitial lung disease-arthritis syndrome. Last evaluated: 2021-08-20. Review status: criteria provided, single submitter. Criteria: Invitae Variant Classification Sherloc (09022015). Collection method: clinical testing. Allele origin: germline.
Comment: Advanced modeling of protein sequence and biophysical properties (such as structural, functional, and spatial information, amino acid conservation, physicochemical variation, residue mobility, and thermodynamic stability) performed at Invitae indicates that this missense variant is not expected to disrupt COPA protein function. This variant has not been reported in the literature in individuals affected with COPA-related conditions. This variant is not present in population databases (ExAC no frequency). This sequence change replaces methionine with leucine at codon 979 of the COPA protein (p.Met979Leu). The methionine residue is moderately conserved and there is a small physicochemical difference between methionine and leucine. In summary, the available evidence is currently insufficient to determine the role of this variant in disease. Therefore, it has been classified as a Variant of Uncertain Significance.

NM_004371.4(COPA):c.2935A>T (p.Met979Leu)

Gene: COPA (coat protein complex I subunit alpha; minus strand). Cytogenetic location: 1q23.2.
Variant type: single nucleotide variant.
Coding change: c.2935A>T on transcript NM_004371.4 (MANE Select); coding-DNA position 2935, A replaced by T.
Protein change: p.Met979Leu; replaces methionine 979 with leucine.
Molecular consequence: missense variant.
Genome position (GRCh38, 1-based): chr1:160,292,509, T>A on the plus strand (A>T on the coding strand, the complement: COPA is on the minus strand). VCF-style: chr1-160292509-T-A. GRCh37 (hg19) VCF-style: chr1-160262299-T-A.
Other names: c.2962A>T, p.Met988Leu (NM_001098398.2); short protein forms M979L, M988L.
Identifiers: ClinVar variation 1966266 (VCV001966266.5), dbSNP rs2525350476, ClinGen allele CA343272768.